The following is an entry in ClinVar:

NM_001851.6(COL9A1):c.1341+5G>A

Gene: COL9A1 (collagen type IX alpha 1 chain; minus strand). Cytogenetic location: 6q13.
Variant type: single nucleotide variant.
Coding change: c.1341+5G>A on transcript NM_001851.6 (MANE Select); 5 bases into the intron after coding-DNA position 1341, G replaced by A.
Molecular consequence: intron variant.
Genome position (GRCh38, 1-based): chr6:70,266,712, C>T on the plus strand (G>A on the coding strand, the complement: COL9A1 is on the minus strand). VCF-style: chr6-70266712-C-T. GRCh37 (hg19) VCF-style: chr6-70976415-C-T.
Other names: c.612+5G>A (NM_001377290.1, NM_078485.4, NM_001377289.1).
Identifiers: ClinVar variation 194831 (VCV000194831.9), dbSNP rs794727203, ClinGen allele CA241020.
Genomic context (GRCh38, chr6:70,266,712, plus strand): 5'-CTTATAATGAAAGTGACCAATAACTCCTAATCACAATTTATCCACTAAATACCCATTTTC[C>T]TTACCTTGTGTCCTTGTCTTCCTGGTTCACCAATTTCTCCTTTAGCCCCTTTATGACCCT-3'

ClinVar aggregate classification (germline): Uncertain significance. Review status: criteria provided, multiple submitters, no conflicts (2 of 4 stars). 2 submissions from 2 submitters: Uncertain significance (2). Last evaluated 2021-12-21.

Allele frequency attached by ClinVar (database versions not stated): gnomAD exomes below 0.00001; gnomAD 0.00001; TOPMed 0.00001.
gnomAD v4.1: 3 of 1,611,520 alleles (0.00019%); highest among the groups gnomAD compares: Non-Finnish European, 0.00025%; no homozygotes.

Submissions (2):

Labcorp Genetics (formerly Invitae), Labcorp
Classification: Uncertain significance. Last evaluated: 2021-12-21. Review status: criteria provided, single submitter. Criteria: Invitae Variant Classification Sherloc (09022015). Collection method: clinical testing. Allele origin: germline.
Comment: In summary, the available evidence is currently insufficient to determine the role of this variant in disease. Therefore, it has been classified as a Variant of Uncertain Significance. Variants that disrupt the consensus splice site are a relatively common cause of aberrant splicing (PMID: 17576681, 9536098). Algorithms developed to predict the effect of sequence changes on RNA splicing suggest that this variant is not likely to affect RNA splicing. ClinVar contains an entry for this variant (Variation ID: 194831). This variant has not been reported in the literature in individuals affected with COL9A1-related conditions. This variant is not present in population databases (gnomAD no frequency). This sequence change falls in intron 18 of the COL9A1 gene. It does not directly change the encoded amino acid sequence of the COL9A1 protein. It affects a nucleotide within the consensus splice site.

Eurofins Ntd Llc (ga)
Classification: Uncertain significance. Last evaluated: 2015-06-05. Review status: criteria provided, single submitter. Criteria: EGL Classification Definitions 2015. Collection method: clinical testing. Allele origin: germline. Observed: 1 variant allele, 1 heterozygote.

Literature cited by the submitters: PubMed 17576681 (cited by Labcorp Genetics (formerly Invitae), Labcorp); PubMed 9536098 (cited by Labcorp Genetics (formerly Invitae), Labcorp).